The following is an entry in ClinVar:

NM_001130438.3(SPTAN1):c.2778+71_2778+73del

Gene: SPTAN1 (spectrin alpha, non-erythrocytic 1; plus strand). Cytogenetic location: 9q34.11.
Variant type: Deletion.
Coding change: c.2778+71_2778+73del on transcript NM_001130438.3 (MANE Select); bases 71 to 73 of the intron after coding-DNA position 2778, 3 bases deleted (GAG; older notation c.2778+71_2778+73delGAG).
Molecular consequence: intron variant.
Genome position (GRCh38, 1-based): chr9:128,586,036-128,586,038, GAG deleted; deleting any 3 consecutive bases within chr9:128,586,034-128,586,038 gives the same sequence; the c. name uses the placement nearest the transcript's 3' end. VCF-style (leftmost placement, unchanged base first): chr9-128586033-TAGG-T. GRCh37 (hg19) VCF-style: chr9-131348312-TAGG-T.
Other names: c.2814+71_2814+73del (NM_001375318.1, NM_001375312.2); c.2778+71_2778+73del (NM_001375311.2, NM_001375314.2, NM_001375310.1 and 5 more transcripts).
Identifiers: ClinVar variation 676779 (VCV000676779.1), dbSNP rs150632298, ClinGen allele CA200382695.
Genomic context (GRCh38, chr9:128,586,033, plus strand): 5'-GGCGTGGGAAGCGTCTCACCTGCCAGGGAAGTGGAACAGGGCTTGTACTGAGAAGGAAGT[TAGG>T]AGAAGTAGTGATGCGCGGGAGGTGTGCATTACAGTGATTGTTTTTTAAAATGTTTTGGAA-3'

ClinVar aggregate classification (germline): Benign (1 of 4 stars; one submission).

Submission:

GeneDx
Classification: Benign. Last evaluated: 2018-06-14. Review status: criteria provided, single submitter. Criteria: GeneDx Variant Classification (06012015). Collection method: clinical testing. Allele origin: germline. Affected: yes.
Comment: This variant is considered likely benign or benign based on one or more of the following criteria: it is a conservative change, it occurs at a poorly conserved position in the protein, it is predicted to be benign by multiple in silico algorithms, and/or has population frequency not consistent with disease.